The following is an entry in ClinVar:

NM_030665.4(RAI1):c.1800C>T (p.Ser600=)

Gene: RAI1 (retinoic acid induced 1; plus strand). Cytogenetic location: 17p11.2.
Variant type: single nucleotide variant.
Coding change: c.1800C>T on transcript NM_030665.4 (MANE Select); coding-DNA position 1800, C replaced by T.
Protein change: p.Ser600=; no amino-acid change (serine 600 retained).
Molecular consequence: synonymous variant.
Genome position (GRCh38, 1-based): chr17:17,794,748, C>T. VCF-style: chr17-17794748-C-T. GRCh37 (hg19) VCF-style: chr17-17698062-C-T.
Identifiers: ClinVar variation 1554868 (VCV001554868.27), dbSNP rs376596325, ClinGen allele CA8418406.
Genomic context (GRCh38, chr17:17,794,748, plus strand): 5'-GCTCGACAGCTTCTCCAAGTTCGTGGCGGGTGAGCGGGACTGTCCGCGGCTGCTGCTCAG[C>T]GCCCTGGCACAGGAGGACCTGGCCTCCGAGATCCTGGGGCTGCAGGAAGCCATCGGTGAG-3'
Protein context (NP_109590.3, residues 590-610): GERDCPRLLL[Ser600=]ALAQEDLASE

ClinVar aggregate classification (germline): Likely benign. Review status: criteria provided, multiple submitters, no conflicts (2 of 4 stars). 4 submissions from 4 submitters: Likely benign (4). Last evaluated 2025-09-03.

Conditions:
RAI1-related disorder. Also called: RAI1-related condition.
Inborn genetic diseases. Identifiers: MedGen C0950123, MeSH D030342.

Allele frequency attached by ClinVar (database versions not stated): gnomAD 0.00003 and 0.00004; gnomAD exomes 0.00003 and 0.00005; TOPMed 0.00003; ExAC 0.00006; ESP Exome Variant Server 0.00008.
gnomAD v4.1: 53 of 1,612,468 alleles (0.0033%); highest among the groups gnomAD compares: Middle Eastern, 0.12%; no homozygotes.

Submissions (4):

Labcorp Genetics (formerly Invitae), Labcorp
Classification: Likely benign. Last evaluated: 2025-09-03. Review status: criteria provided, single submitter. Criteria: Invitae Variant Classification Sherloc (09022015). Collection method: clinical testing. Allele origin: germline.

PreventionGenetics, part of Exact Sciences
Classification: Likely benign for RAI1-related condition. Last evaluated: 2025-04-10. Review status: criteria provided, single submitter. Criteria: ACMG Guidelines, 2015. Collection method: clinical testing. Allele origin: germline.
Comment: This variant is classified as likely benign based on ACMG/AMP sequence variant interpretation guidelines (Richards et al. 2015 PMID: 25741868, with internal and published modifications).

CeGaT Center for Human Genetics Tuebingen
Classification: Likely benign. Last evaluated: 2024-08-01. Review status: criteria provided, single submitter. Criteria: CeGaT Center For Human Genetics Tuebingen Variant Classification Criteria Version 2. Collection method: clinical testing. Allele origin: germline. Affected: yes. Observed: 1 variant allele.
Comment: RAI1: BP4, BP7

Ambry Genetics
Classification: Likely benign for Inborn genetic diseases. Last evaluated: 2018-07-25. Review status: criteria provided, single submitter. Criteria: Ambry Variant Classification Scheme 2023. Collection method: clinical testing. Allele origin: germline.